The following is an entry in ClinVar:

NM_001330078.2(NRXN1):c.3000C>T (p.Leu1000=)

Gene: NRXN1 (neurexin 1; minus strand). Cytogenetic location: 2p16.3.
Variant type: single nucleotide variant.
Coding change: c.3000C>T on transcript NM_001330078.2 (MANE Select); coding-DNA position 3000, C replaced by T.
Protein change: p.Leu1000=; no amino-acid change (leucine 1000 retained).
Molecular consequence: synonymous variant.
Genome position (GRCh38, 1-based): chr2:50,495,975, G>A on the plus strand (C>T on the coding strand, the complement: NRXN1 is on the minus strand). VCF-style: chr2-50495975-G-A. GRCh37 (hg19) VCF-style: chr2-50723113-G-A.
Other names: c.3120C>T, p.Leu1040= (NM_001135659.3); c.2976C>T, p.Leu992= (NM_001330077.2, NM_001330082.2); c.2934C>T, p.Leu978= (NM_001330083.2, NM_001330084.2); c.2973C>T, p.Leu991= (NM_001330085.2); c.3000C>T, p.Leu1000= (NM_001330086.2, NM_004801.6); c.2889C>T, p.Leu963= (NM_001330087.2, NM_001330096.2); c.2919C>T, p.Leu973= (NM_001330088.2); c.2997C>T, p.Leu999= (NM_001330093.2); and 2 more.
Identifiers: ClinVar variation 3047034 (VCV003047034.2), dbSNP rs2468898740, ClinGen allele CA426023253.

ClinVar aggregate classification (germline): Likely benign (0 of 4 stars; one submission).

Conditions:
NRXN1-related disorder.

Allele frequency attached by ClinVar (database versions not stated): gnomAD exomes below 0.00001.
gnomAD v4.1: 2 of 1,613,562 alleles (0.00012%); highest among the groups gnomAD compares: Non-Finnish European, 0.00017%; no homozygotes.

Submission:

PreventionGenetics, part of Exact Sciences
Classification: Likely benign for NRXN1-related condition. Last evaluated: 2022-08-03. Review status: no assertion criteria provided. Collection method: clinical testing. Allele origin: germline.
Comment: This variant is classified as likely benign based on ACMG/AMP sequence variant interpretation guidelines (Richards et al. 2015 PMID: 25741868, with internal and published modifications).